The following is an entry in ClinVar:

NM_000094.4(COL7A1):c.448G>A (p.Gly150Arg)

Gene: COL7A1 (collagen type VII alpha 1 chain; minus strand). Cytogenetic location: 3p21.31.
Variant type: single nucleotide variant.
Coding change: c.448G>A on transcript NM_000094.4 (MANE Select); coding-DNA position 448, G replaced by A.
Protein change: p.Gly150Arg; replaces glycine 150 with arginine.
Molecular consequence: missense variant.
Genome position (GRCh38, 1-based): chr3:48,593,428, C>T on the plus strand (G>A on the coding strand, the complement: COL7A1 is on the minus strand). VCF-style: chr3-48593428-C-T. GRCh37 (hg19) VCF-style: chr3-48630861-C-T.
Other names: c.448G>A (NM_000094.3); short protein forms G150R.
Identifiers: ClinVar variation 1450301 (VCV001450301.9), dbSNP rs757715378, ClinGen allele CA2381538.

ClinVar aggregate classification (germline): Pathogenic/Likely pathogenic. Review status: criteria provided, multiple submitters, no conflicts (2 of 4 stars). 5 submissions from 5 submitters: Pathogenic (2); Likely pathogenic (3). Last evaluated 2025-12-11.

Conditions:
COL7A1-related disorder. Also called: COL7A1- related disorders; COL7A1-related condition.
Epidermolysis bullosa dystrophica. Also called: Dystrophic epidermolysis bullosa, Hallopeau-Siemens type (formerly); Dystrophic epidermolysis bullosa. Identifiers: Orphanet 303, MedGen C0079294, MONDO:0006543.
Recessive dystrophic epidermolysis bullosa (RDEB). Also called: Recessive DEB (RDEB); DYSTROPHIC EPIDERMOLYSIS BULLOSA, AUTOSOMAL RECESSIVE; EPIDERMOLYSIS BULLOSA DYSTROPHICA, HALLOPEAU-SIEMENS TYPE; severe generalized recessive dystrophic epidermolysis bullosa; Hallopeau-Siemens Disease; Epidermolysis Bullosa Distrophica Autosomal Recessive (RDEB). Identifiers: Orphanet 79408, Orphanet 79409, MedGen C0079474, MONDO:0009179, OMIM 226600.

Allele frequency attached by ClinVar (database versions not stated): gnomAD exomes below 0.00001; TOPMed below 0.00001; ExAC 0.00001.
gnomAD v4.1: 26 of 1,614,114 alleles (0.0016%); highest among the groups gnomAD compares: Non-Finnish European, 0.0022%; no homozygotes.

Submissions (5):

Myriad Genetics, Inc.
Classification: Likely pathogenic for Recessive dystrophic epidermolysis bullosa. Last evaluated: 2025-12-11. Review status: criteria provided, single submitter. Criteria: Myriad Autosomal Dominant, Autosomal Recessive and X-Linked Classification Criteria (2023). Collection method: clinical testing. Allele origin: unknown.
Comment: NM_000094.3(COL7A1):c.448G>A(G150R) is a missense variant classified as likely pathogenic in the context of dystrophic epidermolysis bullosa. G150R has been observed in cases with relevant disease (PMID: 18951764, 19665875, 19681861, 29963685, 40701620, Zhou_2022_(Article)). Relevant functional assessments of this variant are not available in the literature. G150R has been observed in referenced population frequency databases. In summary, NM_000094.3(COL7A1):c.448G>A(G150R) is a missense variant that has been observed more frequently in cases with the relevant disease than in healthy populations. Please note: this variant was assessed in the context of healthy population screening.

Natera, Inc.
Classification: Likely pathogenic for Dystrophic epidermolysis bullosa. Last evaluated: 2025-02-10. Review status: criteria provided, single submitter. Criteria: Natera Variant Classification Schema (03/2026). Collection method: clinical testing. Allele origin: germline.
Comment: The c.448G>A variant in COL7A1 is a missense variant predicted to cause substitution of glycine to arginine at amino acid 150. This variant is rare in the general population with a frequency below the threshold expected for the associated phenotype(s). This variant has been observed in one or more individuals affected with the associated recessive disease, as either homozygous or compound heterozygous with a second variant (PMID: 18951764, 19681861, 19665875). This variant has been identified in one or more affected individual with a phenotype highly consistent with the associated gene (PMID: 19681861). Computational prediction algorithms indicate this variant is likely to affect gene or protein function. Given the available evidence, this variant is classified as Likely Pathogenic.

Labcorp Genetics (formerly Invitae), Labcorp
Classification: Pathogenic. Last evaluated: 2023-11-24. Review status: criteria provided, single submitter. Criteria: Invitae Variant Classification Sherloc (09022015). Collection method: clinical testing. Allele origin: germline.
Comment: This sequence change replaces glycine, which is neutral and non-polar, with arginine, which is basic and polar, at codon 150 of the COL7A1 protein (p.Gly150Arg). This variant is present in population databases (rs757715378, gnomAD 0.002%). This missense change has been observed in individual(s) with autosomal recessive dystrophic epidermolysis bullosa (PMID: 18951764, 19665875). In at least one individual the data is consistent with being in trans (on the opposite chromosome) from a pathogenic variant. ClinVar contains an entry for this variant (Variation ID: 1450301). Advanced modeling of protein sequence and biophysical properties (such as structural, functional, and spatial information, amino acid conservation, physicochemical variation, residue mobility, and thermodynamic stability) has been performed at Invitae for this missense variant, however the output from this modeling did not meet the statistical confidence thresholds required to predict the impact of this variant on COL7A1 protein function. For these reasons, this variant has been classified as Pathogenic.

PreventionGenetics, part of Exact Sciences
Classification: Likely pathogenic for COL7A1-related condition. Last evaluated: 2022-09-01. Review status: criteria provided, single submitter. Criteria: ACMG Guidelines, 2015. Collection method: clinical testing. Allele origin: germline.
Comment: The COL7A1 c.448G>A variant is predicted to result in the amino acid substitution p.Gly150Arg. This variant has been previously reported in the compound heterozygous state in individuals with dystrophic epidermolysis bullosa (van den Akker et al. 2009. PubMed ID: 19665875; Drera et al. 2009. PubMed ID: 18951764, also included in Almaani et al. 2011. PubMed ID: 21448560, Supplementary Table 2). This variant is reported in 0.00088% of alleles in individuals of European (Non-Finnish) descent in gnomAD. This variant is interpreted as likely pathogenic.

Blueprint Genetics
Classification: Pathogenic for COL7A1-related disorders. Last evaluated: 2020-03-23. Review status: criteria provided, single submitter. Criteria: ACMG Guidelines, 2015. Collection method: clinical testing. Allele origin: germline. Affected: yes. Observed: 3 variant alleles.

Literature cited by the submitters: PubMed 18951764 (cited by Natera, Inc. and Labcorp Genetics (formerly Invitae), Labcorp); PubMed 19681861 (cited by Natera, Inc.); PubMed 19665875 (cited by Natera, Inc. and Labcorp Genetics (formerly Invitae), Labcorp).